The following is an entry in ClinVar:

ClinVar aggregate classification (germline): Uncertain significance (1 of 4 stars; one submission).

Allele frequency attached by ClinVar (database versions not stated): gnomAD exomes below 0.00001; TOPMed below 0.00001.
gnomAD v4.1: 1 of 1,614,068 alleles (0.000062%); highest among the groups gnomAD compares: African/African-American, 0.0013%; no homozygotes.

Submission:

GeneDx
Classification: Uncertain significance. Last evaluated: 2021-01-06. Review status: criteria provided, single submitter. Criteria: GeneDx Variant Classification Process June 2021. Collection method: clinical testing. Allele origin: germline. Affected: yes.
Comment: Not observed in large population cohorts (Lek et al., 2016); In silico analysis supports that this missense variant does not alter protein structure/function; Has not been previously published as pathogenic or benign to our knowledge

NM_001378120.1(MBD5):c.4312G>A (p.Gly1438Arg)

Gene: MBD5 (methyl-CpG binding domain protein 5; plus strand). Cytogenetic location: 2q23.1.
Variant type: single nucleotide variant.
Coding change: c.4312G>A on transcript NM_001378120.1 (MANE Select); coding-DNA position 4312, G replaced by A.
Protein change: p.Gly1438Arg; replaces glycine 1438 with arginine.
Molecular consequence: missense variant.
Genome position (GRCh38, 1-based): chr2:148,489,944, G>A. VCF-style: chr2-148489944-G-A. GRCh37 (hg19) VCF-style: chr2-149247513-G-A.
Other names: c.3613G>A, p.Gly1205Arg (NM_018328.5); short protein forms G1205R, G1438R.
Identifiers: ClinVar variation 1313832 (VCV001313832.2), dbSNP rs1681468663, ClinGen allele CA348728674.
Genomic context (GRCh38, chr2:148,489,944, plus strand): 5'-TTCAAGTCAGCAAGTTGCCACACATCCAAAAAACAGTGGGACGGGGAGCAAAGCCCCAGA[G>A]GGGAGCGAAACAGGTGGAAGTACGAGGAATTTTTAGATCATCCAGGCCATATCCACAGTA-3'
Protein context (NP_001365049.1, residues 1428-1448): KQWDGEQSPR[Gly1438Arg]ERNRWKYEEF